The following is an entry in ClinVar:

ClinVar aggregate classification (germline): Benign. Review status: criteria provided, multiple submitters, no conflicts (2 of 4 stars). 2 submissions from 2 submitters: Benign (2). Last evaluated 2018-11-12.

Allele frequency attached by ClinVar (database versions not stated): gnomAD exomes 0.21573; gnomAD 0.23368 and 0.23469; TOPMed 0.24248; 1000 Genomes Project 30x 0.26843; 1000 Genomes Project 0.26937.
gnomAD v4.1: 141,463 of 640,720 alleles (22%); highest among the groups gnomAD compares: East Asian, 33%; 16,321 homozygotes.

Submissions (2):

GeneDx
Classification: Benign. Last evaluated: 2018-11-12. Review status: criteria provided, single submitter. Criteria: GeneDx Variant Classification Process June 2021. Collection method: clinical testing. Allele origin: germline. Affected: yes.
Comment: This variant is associated with the following publications: (PMID: 17130513)

Breakthrough Genomics
Classification: Benign. Review status: criteria provided, single submitter. Criteria: ACMG Guidelines, 2015. Collection method: not provided. Allele origin: germline. Inheritance: Autosomal recessive inheritance. Affected: yes.

NM_001375978.1(CHRM3):c.-19-130T>C

Gene: CHRM3 (cholinergic receptor muscarinic 3; plus strand). Cytogenetic location: 1q43.
Variant type: single nucleotide variant.
Coding change: c.-19-130T>C on transcript NM_001375978.1 (MANE Select); 130 bases into the intron before 19 bases upstream of the start codon, T replaced by C.
Molecular consequence: intron variant.
Genome position (GRCh38, 1-based): chr1:239,907,303, T>C. VCF-style: chr1-239907303-T-C. GRCh37 (hg19) VCF-style: chr1-240070603-T-C.
Other names: c.-19-130T>C (NM_001375982.1, NM_001347716.2, NM_001375983.1 and 6 more transcripts).
Identifiers: ClinVar variation 1253741 (VCV001253741.3), dbSNP rs3738435, ClinGen allele CA16084274.